The following is an entry in ClinVar:

ClinVar aggregate classification (germline): Likely benign. Review status: criteria provided, multiple submitters, no conflicts (2 of 4 stars). 2 submissions from 2 submitters: Likely benign (2). Last evaluated 2025-01-15.

Conditions:
TTC21B-related disorder. Also called: TTC21B-related condition; TTC21B-related disorders.

Allele frequency attached by ClinVar (database versions not stated): TOPMed below 0.00001; gnomAD 0.00001; gnomAD exomes 0.00001 and 0.00003; ExAC 0.00002.
gnomAD v4.1: 39 of 1,612,416 alleles (0.0024%); highest among the groups gnomAD compares: Non-Finnish European, 0.0031%; no homozygotes.

Submissions (2):

PreventionGenetics, part of Exact Sciences
Classification: Likely benign for TTC21B-related condition. Last evaluated: 2025-01-15. Review status: criteria provided, single submitter. Criteria: ACMG Guidelines, 2015. Collection method: clinical testing. Allele origin: germline.
Comment: This variant is classified as likely benign based on ACMG/AMP sequence variant interpretation guidelines (Richards et al. 2015 PMID: 25741868, with internal and published modifications).

Labcorp Genetics (formerly Invitae), Labcorp
Classification: Likely benign. Last evaluated: 2018-04-05. Review status: criteria provided, single submitter. Criteria: Invitae Variant Classification Sherloc (09022015). Collection method: clinical testing. Allele origin: germline.

NM_024753.5(TTC21B):c.2928G>A (p.Gln976=)

Gene: TTC21B (tetratricopeptide repeat domain 21B; minus strand). Cytogenetic location: 2q24.3.
Variant type: single nucleotide variant.
Coding change: c.2928G>A on transcript NM_024753.5 (MANE Select); coding-DNA position 2928, G replaced by A.
Protein change: p.Gln976=; no amino-acid change (glutamine 976 retained).
Molecular consequence: synonymous variant.
Genome position (GRCh38, 1-based): chr2:165,898,708, C>T on the plus strand (G>A on the coding strand, the complement: TTC21B is on the minus strand). VCF-style: chr2-165898708-C-T. GRCh37 (hg19) VCF-style: chr2-166755218-C-T.
Identifiers: ClinVar variation 701006 (VCV000701006.4), dbSNP rs774490142, ClinGen allele CA1941658.